The following is an entry in ClinVar:

NM_001010870.3(TDRD6):c.4369_4372del (p.Arg1457fs)

Gene: TDRD6 (tudor domain containing 6; plus strand). Cytogenetic location: 6p12.3.
Variant type: Deletion.
Coding change: c.4369_4372del on transcript NM_001010870.3 (MANE Select); coding-DNA positions 4369 to 4372, 4 bases deleted (AGAT; older notation c.4369_4372delAGAT).
Protein change: p.Arg1457fs; shifts the reading frame from arginine 1457.
Molecular consequence: frameshift variant.
Genome position (GRCh38, 1-based): chr6:46,692,497-46,692,500, AGAT deleted. VCF-style (leftmost placement, unchanged base first): chr6-46692496-CAGAT-C. GRCh37 (hg19) VCF-style: chr6-46660233-CAGAT-C.
Other names: c.4369_4372del, p.Arg1457fs (NM_001168359.2); short protein forms R1457fs.
Identifiers: ClinVar variation 4533384 (VCV004533384.1).

ClinVar aggregate classification (germline): Pathogenic (1 of 4 stars; one submission).

Conditions:
Male infertility. Identifiers: MedGen C0021364, MeSH D007248, MONDO:0005372, HP:0003251.

Submission:

Institute of Reproductive Genetics, University of Münster
Classification: Pathogenic for Male infertility. Last evaluated: 2025-12-03. Review status: criteria provided, single submitter. Criteria: Uk Practice Guidelines For Variant Classification V4 01 2020. Collection method: research. Allele origin: germline. Affected: yes. Observed: 4 variant alleles.
Comment: The NM_001010870.3:c.4369_4372del, is a deletion variant in TDRD6 which results in a frameshift at arginine 1457 and subsequent insertion of a premature stop codon 12 amino acids downstream of the frameshift (PVS1). This variant was found in a confirmed compound heterozygous setting with a pathogenic stop-gain variant in TDRD6 (PM3) in two probands with male infertility due to oligoasthenoteratozoospermia (OAT) and two additional probands with male infertility in a compound heterozygous setting with a VUS in TDRD6 (PS4_sup). This variant is rare in gnomAD (PM2_sup); version 4.1.1. In summary, this variant meets criteria to be classified as pathogenic for male infertility based on the ACMG/ criteria applied, as specified by the UK Best Practice Guidelines for variant classification (PVS1, PM3, PS4_sup, PM2_sup).